The following is an entry in ClinVar:

NM_001161352.2(KCNMA1):c.48_49insAGCGGCGGCGGCGGCGGC (p.Gly16_Gly17insSerGlyGlyGlyGlyGly)

Gene: KCNMA1 (potassium calcium-activated channel subfamily M alpha 1; minus strand). Cytogenetic location: 10q22.3.
Variant type: Microsatellite.
Coding change: c.48_49insAGCGGCGGCGGCGGCGGC on transcript NM_001161352.2 (MANE Select); coding-DNA positions 48 to 49, AGCGGCGGCGGCGGCGGC inserted.
Protein change: p.Gly16_Gly17insSerGlyGlyGlyGlyGly.
Molecular consequence: inframe insertion.
Genome position: GRCh38 VCF-style: chr10-77637594-C-CGCCGCCGCCGCCGCCGCT. GRCh37 (hg19) VCF-style: chr10-79397352-C-CGCCGCCGCCGCCGCCGCT.
Other names: c.48_49insAGCGGCGGCGGCGGCGGC, p.Gly16_Gly17insSerGlyGlyGlyGlyGly (NM_001014797.3, NM_001161353.2, NM_001271518.2 and 13 more transcripts).
Identifiers: ClinVar variation 3625536 (VCV003625536.2).

ClinVar aggregate classification (germline): Uncertain significance (1 of 4 stars; one submission).

Conditions:
Generalized epilepsy-paroxysmal dyskinesia syndrome (PNKD3). Also called: Generalized epilepsy and paroxysmal dyskinesia; Paroxysmal nonkinesigenic dyskinesia, 3, with or without generalized epilepsy. Identifiers: Orphanet 79137, MedGen C5574945, MONDO:0012276, OMIM 609446.

Submission:

Labcorp Genetics (formerly Invitae), Labcorp
Classification: Uncertain significance for Generalized epilepsy-paroxysmal dyskinesia syndrome. Last evaluated: 2024-08-11. Review status: criteria provided, single submitter. Criteria: Invitae Variant Classification Sherloc (09022015). Collection method: clinical testing. Allele origin: germline.
Comment: This variant, c.48_49insAGCGGCGGCGGCGGCGGC, results in the insertion of 6 amino acid(s) of the KCNMA1 protein (p.Gly16_Gly17insSerGlyGlyGlyGlyGly), but otherwise preserves the integrity of the reading frame. This variant is not present in population databases (gnomAD no frequency). This variant has not been reported in the literature in individuals affected with KCNMA1-related conditions. In summary, the available evidence is currently insufficient to determine the role of this variant in disease. Therefore, it has been classified as a Variant of Uncertain Significance.